The following is an entry in ClinVar:

NM_004539.4(NARS1):c.806C>T (p.Thr269Ile)

Gene: NARS1 (asparaginyl-tRNA synthetase 1; minus strand). Cytogenetic location: 18q21.31.
Variant type: single nucleotide variant.
Coding change: c.806C>T on transcript NM_004539.4 (MANE Select); coding-DNA position 806, C replaced by T.
Protein change: p.Thr269Ile; replaces threonine 269 with isoleucine.
Molecular consequence: missense variant.
Genome position (GRCh38, 1-based): chr18:57,607,329, G>A on the plus strand (C>T on the coding strand, the complement: NARS1 is on the minus strand). VCF-style: chr18-57607329-G-A. GRCh37 (hg19) VCF-style: chr18-55274561-G-A.
Other names: short protein forms T269I.
Identifiers: ClinVar variation 4886054 (VCV004886054.2).

ClinVar aggregate classification (germline): Uncertain significance (1 of 4 stars; one submission).

Submission:

Dasa
Classification: Uncertain significance. Last evaluated: 2024-11-11. Review status: criteria provided, single submitter. Criteria: DASA Assertion Criteria. Collection method: clinical testing. Allele origin: germline.
Comment: NM_004539.4(NARS):c.806C>T (p.Thr269Ile) is a missense variant that results in the substitution of threonine with isoleucine. This variant is absent from population databases. Computational prediction algorithms are consistent with a deleterious effect. The currently available literature and clinical evidence are not sufficient to establish a definitive association between this variant and the reported condition. Therefore, this variant is classified as a variant of uncertain significance.